The following is an entry in ClinVar:

NM_006567.5(FARS2):c.1256G>T (p.Arg419Leu)

Gene: FARS2 (phenylalanyl-tRNA synthetase 2, mitochondrial; plus strand). Cytogenetic location: 6p25.1.
Variant type: single nucleotide variant.
Coding change: c.1256G>T on transcript NM_006567.5 (MANE Select); coding-DNA position 1256, G replaced by T.
Protein change: p.Arg419Leu; replaces arginine 419 with leucine.
Molecular consequence: missense variant.
Genome position (GRCh38, 1-based): chr6:5,771,329, G>T. VCF-style: chr6-5771329-G-T. GRCh37 (hg19) VCF-style: chr6-5771562-G-T.
Other names: c.1256G>T, p.Arg419Leu (NM_001318872.2, NM_001374875.1, NM_001374876.1 and 4 more transcripts); c.1124G>T, p.Arg375Leu (NM_001375258.1); c.560G>T, p.Arg187Leu (NM_001375259.1, NM_001375260.1); short protein forms R187L, R375L, R419L.
Identifiers: ClinVar variation 1491388 (VCV001491388.8), dbSNP rs202183509, ClinGen allele CA3623927.

ClinVar aggregate classification (germline): Likely pathogenic (1 of 4 stars; one submission).

Conditions:
Combined oxidative phosphorylation defect type 14. Also called: Combined oxidative phosphorylation deficiency 14. Identifiers: Orphanet 319519, MedGen C4755312, MONDO:0013986, OMIM 614946.

gnomAD v4.1: 2 of 1,614,168 alleles (0.00012%); highest among the groups gnomAD compares: Admixed American, 0.0033%; no homozygotes.

Submission:

Labcorp Genetics (formerly Invitae), Labcorp
Classification: Likely pathogenic for Combined oxidative phosphorylation defect type 14. Last evaluated: 2023-02-16. Review status: criteria provided, single submitter. Criteria: Invitae Variant Classification Sherloc (09022015). Collection method: clinical testing. Allele origin: germline.
Comment: In summary, the currently available evidence indicates that the variant is pathogenic, but additional data are needed to prove that conclusively. Therefore, this variant has been classified as Likely Pathogenic. This variant disrupts the p.Arg419 amino acid residue in FARS2. Other variant(s) that disrupt this residue have been determined to be pathogenic (PMID: 25851414, 30177229). This suggests that this residue is clinically significant, and that variants that disrupt this residue are likely to be disease-causing. This sequence change replaces arginine, which is basic and polar, with leucine, which is neutral and non-polar, at codon 419 of the FARS2 protein (p.Arg419Leu). This variant is present in population databases (rs202183509, gnomAD 0.006%). This variant has not been reported in the literature in individuals affected with FARS2-related conditions. ClinVar contains an entry for this variant (Variation ID: 1491388). Advanced modeling of protein sequence and biophysical properties (such as structural, functional, and spatial information, amino acid conservation, physicochemical variation, residue mobility, and thermodynamic stability) performed at Invitae indicates that this missense variant is expected to disrupt FARS2 protein function.

Literature cited by the submitters: PubMed 25851414; PubMed 30177229.